The following is an entry in ClinVar:

ClinVar aggregate classification (germline): Pathogenic. Review status: reviewed by expert panel (3 of 4 stars). 6 submissions from 6 submitters: Pathogenic (1). 5 of the submissions do not count toward it. Last evaluated 2026-07-07.

Conditions:
Glycogen storage disease, type II (IOPD). Also called: CARDIOMEGALIA GLYCOGENICA DIFFUSA; GLYCOGENOSIS, GENERALIZED, CARDIAC FORM; GSD II; POMPE DISEASE, INFANTILE-ONSET; GLYCOGEN STORAGE DISEASE II, INFANTILE-ONSET; ACID ALPHA-GLUCOSIDASE DEFICIENCY, INFANTILE-ONSET. Identifiers: Orphanet 365, MedGen C0017921, MONDO:0009290, OMIM 232300.

gnomAD v4.1: 1 of 1,611,168 alleles (0.000062%); highest among the groups gnomAD compares: South Asian, 0.0011%; no homozygotes.

Submissions (6):

ClinGen Lysosomal Storage Disorder Variant Curation Expert Panel
Classification: Pathogenic for Glycogen storage disease, type II. Last evaluated: 2026-07-07. Review status: reviewed by expert panel. Criteria: clingen_lsd_acmg_specifications_v2-1. Collection method: curation. Allele origin: germline. Inheritance: Autosomal recessive inheritance.
Comment: The NM_000152.5:c.2456G>C variant in GAA is a missense variant predicted to cause substitution of arginine by proline at amino acid 819 (p.Arg819Pro). At least four individuals with this variant have been reported to have a diagnosis of infantile-onset Pompe disease (IOPD) with either documented GAA deficiency in the affected range in dried blood spot, muscle, or cultured skin fibroblasts (PMIDs: 22252923, 41695778, Duke University Molecular Diagnostics Laboratory) or were reported to be on enzyme replacement therapy for Pompe disease (PMID: 30214072) (PP4_Moderate). Of those individuals, one was compound heterozygous for the variant and a variant classified as pathogenic by the ClinGen Lysosomal Diseases VCEP, c.1210G>A (p.Asp404Asn), confirmed in trans by parental testing (Duke University Molecular Diagnostics Laboratory). Three individuals were homozygous for the variant (PMIDs: 22252923, 30214072, 41695778) (PM3_Strong). The highest population minor allele frequency in gnomAD v4.1.0. is 0.00001101 (1/90848 alleles) in the South Asian population, which is lower than the ClinGen Lysosomal Diseases VCEP’s threshold for PM2_Supporting (<0.001), meeting this criterion (PM2_Supporting). Additionally, expression of the variant in COS or HEK293T cells resulted in 0.4% GAA activity in cells and 2.0% in medium, and evidence of abnormal GAA synthesis and processing, leading the variant to be described as Class B (“potentially less severe”), indicating that this variant may impact protein function (PMID: 22644586) (PS3_Moderate). The computational predictor REVEL gives a score of 0.926 which is above the threshold of 0.7, evidence that correlates with impact to GAA function (PP3). Another missense variant, c.2455C>T (p.Arg819Trp) (ClinVar Variation ID: 456402), in the same codon has been classified as likely pathogenic for Pompe disease by the ClinGen Lysosomal Diseases VCEP. However, the classification of this variant will be used to support the classification of c.2455C>T (p.Arg819Trp), so PM5 will not be applied here in order to avoid circular logic (PM5 not met). In summary, this variant meets the criteria to be classified as pathogenic for Pompe disease based on the ACMG/AMP criteria applied, as specified by the ClinGen Lysosomal Diseases Variant Curation Expert panel (specifications Version 2.0): PS3_Moderate, PM2_Supporting, PM3_Strong, PP3, PP4_Moderate. (Classification approved by the ClinGen Lysosomal Diseases Variant Curation Expert Panel on July 7, 2026).

Genomenon, Inc
Classification: Likely pathogenic for Glycogen storage disease, type II. Last evaluated: 2026-07-01. Review status: criteria provided, single submitter. Criteria: Genomenon Sequence Variant Interpretation Standards - Updated. Collection method: curation. Allele origin: germline. Affected: yes. Not counted in ClinVar's aggregate classification.
Comment: GAA p.Arg819Pro (c.2456G>C) is a missense variant that changes the amino acid at codon 819 from Arginine to Proline. This variant has been observed in at least one proband with a GAA-related disorder in the compound heterozygous and/or homozygous state (PMID:30214072). At least one functional study has demonstrated a substantial alteration in protein function relative to the wild-type (PMID:22644586). It is absent or not present at a significant frequency in gnomAD. In silico models predict that this variant is possibly or probably damaging. In conclusion, we classify GAA p.Arg819Pro (c.2456G>C) as a likely pathogenic variant.

Natera, Inc.
Classification: Likely pathogenic for Glycogen storage disease type II. Last evaluated: 2025-04-28. Review status: criteria provided, single submitter. Criteria: Natera Variant Classification Schema (03/2026). Collection method: clinical testing. Allele origin: germline. Not counted in ClinVar's aggregate classification.
Comment: The c.2456G>C variant in GAA is a missense variant predicted to cause substitution of arginine to proline at amino acid 819. This variant is rare in the general population with a frequency below the threshold expected for the associated phenotype(s). This variant has been observed in one or more individuals affected with the associated recessive disease, as either homozygous or compound heterozygous with a second variant (PMID: 30214072). Functional studies show that this variant may disrupt protein function (PMID: 22644586). Computational prediction algorithms indicate this variant is likely to affect gene or protein function. Given the available evidence, this variant is classified as Likely Pathogenic.

Women's Health and Genetics/Laboratory Corporation of America, LabCorp
Classification: Pathogenic for Glycogen storage disease, type II. Last evaluated: 2024-04-11. Review status: criteria provided, single submitter. Criteria: LabCorp Variant Classification Summary - May 2015. Collection method: clinical testing. Allele origin: germline. Not counted in ClinVar's aggregate classification.
Comment: Variant summary: GAA c.2456G>C (p.Arg819Pro) results in a non-conservative amino acid change located in the Glycosyl hydrolase family 31, C-terminal domain (IPR048395) of the encoded protein sequence. Five of five in-silico tools predict a damaging effect of the variant on protein function. The variant was absent in 242628 control chromosomes. c.2456G>C has been reported in the literature in several individuals affected with Glycogen Storage Disease, Type 2 (Pompe Disease; e.g. Bali_2012, Kazi_2019). These data indicate that the variant is very likely to be associated with disease. At least one publication reports experimental evidence evaluating an impact on protein function, finding that the variant results in <10% of normal activity (Kroos_2012). The following publications have been ascertained in the context of this evaluation (PMID: 22252923, 22644586, 30214072). ClinVar contains an entry for this variant (Variation ID: 1693550). Based on the evidence outlined above, the variant was classified as pathogenic.

Fulgent Genetics
Classification: Likely pathogenic for Glycogen storage disease, type II. Last evaluated: 2024-01-05. Review status: criteria provided, single submitter. Criteria: ACMG Guidelines, 2015. Collection method: clinical testing. Allele origin: germline. Not counted in ClinVar's aggregate classification.

Revvity Omics, Revvity
Classification: Likely pathogenic. Last evaluated: 2023-07-28. Review status: criteria provided, single submitter. Criteria: ACMG Guidelines, 2015. Collection method: clinical testing. Allele origin: germline. Not counted in ClinVar's aggregate classification.

Literature cited by the submitters: PubMed 30214072 (cited by 3 submitters); PubMed 22644586 (cited by 3 submitters); PubMed 22252923 (cited by Women's Health and Genetics/Laboratory Corporation of America, LabCorp).

NM_000152.5(GAA):c.2456G>C (p.Arg819Pro)

Gene: GAA (alpha glucosidase; plus strand). Cytogenetic location: 17q25.3.
Variant type: single nucleotide variant.
Coding change: c.2456G>C on transcript NM_000152.5 (MANE Select); coding-DNA position 2456, G replaced by C.
Protein change: p.Arg819Pro; replaces arginine 819 with proline.
Molecular consequence: missense variant.
Genome position (GRCh38, 1-based): chr17:80,117,724, G>C. VCF-style: chr17-80117724-G-C. GRCh37 (hg19) VCF-style: chr17-78091523-G-C.
Other names: NM_001079804.3:c.2456G>C; c.2456G>C (NM_000152.4); c.2456G>C, p.Arg819Pro (NM_001079803.3, NM_001079804.3); short protein forms R819P.
Identifiers: ClinVar variation 1693550 (VCV001693550.8), dbSNP rs374687883, ClinGen allele CA401325305.